The following is an entry in ClinVar:

NM_001017962.3(P4HA1):c.1148+1062A>G

Gene: P4HA1 (prolyl 4-hydroxylase subunit alpha 1; minus strand). Cytogenetic location: 10q22.1.
Variant type: single nucleotide variant.
Coding change: c.1148+1062A>G on transcript NM_001017962.3 (MANE Select); 1062 bases into the intron after coding-DNA position 1148, A replaced by G.
Molecular consequence: intron variant. On other transcripts: synonymous variant (2).
Genome position (GRCh38, 1-based): chr10:73,043,919, T>C on the plus strand (A>G on the coding strand, the complement: P4HA1 is on the minus strand). VCF-style: chr10-73043919-T-C. GRCh37 (hg19) VCF-style: chr10-74803677-T-C.
Other names: c.1116A>G, p.Lys372= (NM_000917.4, NM_001142596.2); c.1148+1062A>G (NM_001142595.2).
Identifiers: ClinVar variation 3041061 (VCV003041061.2), dbSNP rs1130886, ClinGen allele CA5551531.

ClinVar aggregate classification (germline): Likely benign (0 of 4 stars; one submission).

Conditions:
P4HA1-related disorder. Also called: P4HA1-related condition.

Allele frequency attached by ClinVar (database versions not stated): gnomAD 0.00023; ExAC 0.00025; gnomAD exomes 0.00030; 1000 Genomes Project 30x 0.00031; TOPMed 0.00034; ESP Exome Variant Server 0.00046.
gnomAD v4.1: 477 of 1,613,048 alleles (0.03%); highest among the groups gnomAD compares: Admixed American, 0.068%; no homozygotes.

Submission:

PreventionGenetics, part of Exact Sciences
Classification: Likely benign for P4HA1-related condition. Last evaluated: 2019-10-28. Review status: no assertion criteria provided. Collection method: clinical testing. Allele origin: germline.
Comment: This variant is classified as likely benign based on ACMG/AMP sequence variant interpretation guidelines (Richards et al. 2015 PMID: 25741868, with internal and published modifications).